The following is an entry in ClinVar:

NM_003907.3(EIF2B5):c.1868_1869+10del

Gene: EIF2B5 (eukaryotic translation initiation factor 2B subunit epsilon; plus strand). Cytogenetic location: 3q27.1.
Variant type: Deletion.
Coding change: c.1868_1869+10del on transcript NM_003907.3 (MANE Select); coding-DNA position 1868 through 10 bases into the intron after coding-DNA position 1869, 12 bases deleted (CTGTGAGCAAAG).
Molecular consequence: splice donor variant.
Genome position (GRCh38, 1-based): chr3:184,143,564-184,143,575, CTGTGAGCAAAG deleted. VCF-style (leftmost placement, unchanged base first): chr3-184143563-CCTGTGAGCAAAG-C. GRCh37 (hg19) VCF-style: chr3-183861351-CCTGTGAGCAAAG-C.
Identifiers: ClinVar variation 2748724 (VCV002748724.3), dbSNP rs2473671725, ClinGen allele CA2697557011.

ClinVar aggregate classification (germline): Likely pathogenic (1 of 4 stars; one submission).

Submission:

Labcorp Genetics (formerly Invitae), Labcorp
Classification: Likely pathogenic. Last evaluated: 2023-07-31. Review status: criteria provided, single submitter. Criteria: Invitae Variant Classification Sherloc (09022015). Collection method: clinical testing. Allele origin: germline.
Comment: In summary, the currently available evidence indicates that the variant is pathogenic, but additional data are needed to prove that conclusively. Therefore, this variant has been classified as Likely Pathogenic. Algorithms developed to predict the effect of sequence changes on RNA splicing suggest that this variant may disrupt the consensus splice site. This variant has not been reported in the literature in individuals affected with EIF2B5-related conditions. This variant is not present in population databases (gnomAD no frequency). This variant results in the deletion of part of exon 13 (c.1868_1869+10del) of the EIF2B5 gene. It is expected to disrupt RNA splicing. Variants that disrupt the donor or acceptor splice site typically lead to a loss of protein function (PMID: 16199547), and loss-of-function variants in EIF2B5 are known to be pathogenic (PMID: 11704758, 15060152, 21307862).

Literature cited by the submitters: PubMed 16199547; PubMed 11704758; PubMed 15060152; PubMed 21307862.